The following is an entry in ClinVar:

ClinVar aggregate classification (germline): Pathogenic (1 of 4 stars; one submission).

Conditions:
Asphyxiating thoracic dystrophy 3. Also called: SHORT-RIB THORACIC DYSPLASIA 3 WITH OR WITHOUT POLYDACTYLY; POLYDACTYLY WITH NEONATAL CHONDRODYSTROPHY, TYPE I; SHORT-RIB THORACIC DYSPLASIA 3/6 WITH POLYDACTYLY, DIGENIC; Short rib polydactyly syndrome 2B; Saldino-Noonan Syndrome. Identifiers: Orphanet 474, Orphanet 93269, Orphanet 93270, Orphanet 93271, MedGen C0036069, MONDO:0013127, OMIM 613091.

Submission:

Myriad Genetics, Inc.
Classification: Pathogenic for Asphyxiating thoracic dystrophy 3. Last evaluated: 2025-07-01. Review status: criteria provided, single submitter. Criteria: Myriad Autosomal Dominant, Autosomal Recessive and X-Linked Classification Criteria (2023). Collection method: clinical testing. Allele origin: unknown.
Comment: NM_001377.2(DYNC2H1):c.6960dupA(Q2321Tfs*21) is expected to be pathogenic in the context of DYNC2H1-related disorders. This variant is predicted to lead to an abnormal or absent protein product due to the creation of a premature termination codon in DYNC2H1, a gene where loss-of-function variants are known to be pathogenic. Please note: this variant was assessed in the context of healthy population screening.

NM_001377.3(DYNC2H1):c.6960dup (p.Gln2321fs)

Gene: DYNC2H1 (dynein cytoplasmic 2 heavy chain 1; plus strand). Cytogenetic location: 11q22.3.
Variant type: Duplication.
Coding change: c.6960dup on transcript NM_001377.3 (MANE Select); coding-DNA position 6960, one base duplicated (A; older notation c.6960dupA).
Protein change: p.Gln2321fs; shifts the reading frame from glutamine 2321.
Molecular consequence: frameshift variant.
Genome position (GRCh38, 1-based): chr11:103,187,406, A duplicated. VCF-style (leftmost placement, unchanged base first): chr11-103187405-C-CA. GRCh37 (hg19) VCF-style: chr11-103058134-C-CA.
Other names: c.6960dup, p.Gln2321fs (NM_001080463.2); short protein forms Q2321fs.
Identifiers: ClinVar variation 5014670 (VCV005014670.1).